The following is an entry in ClinVar:

ClinVar aggregate classification (germline): Conflicting classifications of pathogenicity. Review status: criteria provided, conflicting classifications (1 of 4 stars). 4 submissions from 4 submitters: Uncertain significance (1); Benign (1); Likely benign (1). 1 of the submissions does not count toward it. Last evaluated 2026-01-16.

Conditions:
Inborn genetic diseases. Identifiers: MedGen C0950123, MeSH D030342.
NHS-related disorder. Also called: NHS-related condition.
Nance-Horan syndrome (NHS). Identifiers: Orphanet 627, MedGen C0796085, MONDO:0010545, OMIM 302350.
Cataract 40 (CTRCT40). Also called: CATARACT 40 WITH OR WITHOUT MICROCORNEA; Cataract 40, X-linked; CATARACT, CONGENITAL TOTAL, WITH POSTERIOR SUTURAL OPACITIES IN HETEROZYGOTES. Identifiers: Orphanet 91492, MedGen C4049004, MONDO:0010544, OMIM 302200.

Allele frequency attached by ClinVar (database versions not stated): ExAC 0.00002; gnomAD exomes 0.00006 and 0.00020; TOPMed 0.00008; ESP Exome Variant Server 0.00009; gnomAD 0.00012.
gnomAD v4.1: 225 of 1,210,050 alleles (0.019%); highest among the groups gnomAD compares: Non-Finnish European, 0.024%; no homozygotes.

Submissions (4):

Labcorp Genetics (formerly Invitae), Labcorp
Classification: Benign for Nance-Horan syndrome. Last evaluated: 2026-01-16. Review status: criteria provided, single submitter. Criteria: Invitae Variant Classification Sherloc (09022015). Collection method: clinical testing. Allele origin: germline.

Ambry Genetics
Classification: Likely benign for Inborn genetic diseases. Last evaluated: 2021-10-29. Review status: criteria provided, single submitter. Criteria: Ambry Variant Classification Scheme 2023. Collection method: clinical testing. Allele origin: germline.

Centre for Mendelian Genomics, University Medical Centre Ljubljana
Classification: Uncertain significance for Cataract 40. Last evaluated: 2019-03-28. Review status: criteria provided, single submitter. Criteria: ACMG Guidelines, 2015. Collection method: clinical testing. Allele origin: unknown. Affected: yes.
Comment: This variant was classified as: Uncertain significance. The available evidence on this variant's pathogenicity is insufficient or conflicting. The following ACMG criteria were applied in classifying this variant: PP3. This variant was detected in hemizygous state.

PreventionGenetics, part of Exact Sciences
Classification: Likely benign for NHS-related condition. Last evaluated: 2023-08-11. Review status: no assertion criteria provided. Collection method: clinical testing. Allele origin: germline. Not counted in ClinVar's aggregate classification.
Comment: This variant is classified as likely benign based on ACMG/AMP sequence variant interpretation guidelines (Richards et al. 2015 PMID: 25741868, with internal and published modifications).

NM_001291867.2(NHS):c.1228C>G (p.Gln410Glu)

Gene: NHS (NHS actin remodeling regulator; plus strand). Cytogenetic location: Xp22.13.
Variant type: single nucleotide variant.
Coding change: c.1228C>G on transcript NM_001291867.2 (MANE Select); coding-DNA position 1228, C replaced by G.
Protein change: p.Gln410Glu; replaces glutamine 410 with glutamic acid.
Molecular consequence: missense variant.
Genome position (GRCh38, 1-based): chrX:17,724,418, C>G. VCF-style: chrX-17724418-C-G. GRCh37 (hg19) VCF-style: chrX-17742538-C-G.
Other names: c.1165C>G (NM_198270.2, NM_198270.3); c.697C>G, p.Gln233Glu (NM_001136024.4); c.634C>G, p.Gln212Glu (NM_001291868.2); c.1165C>G, p.Gln389Glu (NM_198270.4); short protein forms Q212E, Q389E, Q233E, Q410E.
Identifiers: ClinVar variation 930367 (VCV000930367.13), dbSNP rs375878222, ClinGen allele CA10358589.
Genomic context (GRCh38, chrX:17,724,418, plus strand): 5'-CTACAGCGGAGACGAAAATTGAGGAGGAGGAAAACCATCTCGGGTATCCCCAGAAGAGTT[C>G]AACAAGAAATAGGTGTGATATCAAAAAATGTTAATGGTTAACATTCCTCCGCCTAGTACA-3'
Protein context (NP_001278796.1, residues 400-420): KTISGIPRRV[Gln410Glu]QEIDSDESPV